The following is an entry in ClinVar:

NM_001372.4(DNAH9):c.7174G>A (p.Val2392Met)

Gene: DNAH9 (dynein axonemal heavy chain 9; plus strand). Cytogenetic location: 17p12.
Variant type: single nucleotide variant.
Coding change: c.7174G>A on transcript NM_001372.4 (MANE Select); coding-DNA position 7174, G replaced by A.
Protein change: p.Val2392Met; replaces valine 2392 with methionine.
Molecular consequence: missense variant.
Genome position (GRCh38, 1-based): chr17:11,768,456, G>A. VCF-style: chr17-11768456-G-A. GRCh37 (hg19) VCF-style: chr17-11671773-G-A.
Other names: short protein forms V2392M.
Identifiers: ClinVar variation 4753579 (VCV004753579.1).
Genomic context (GRCh38, chr17:11,768,456, plus strand): 5'-GTGTGGGCTTCTTGAGTTCTGGAGGACCTTGTCCCCTGACTGTCTTTGTTTTTGCAGCTT[G>A]TGGACTACCGGGCAGAGTTCAGCAAATGGTGGCTGACTGAGTTCAAAACAGTCAAGTTTC-3'
Protein context (NP_001363.2, residues 2382-2402): FGGAMVQDQL[Val2392Met]DYRAEFSKWW

ClinVar aggregate classification (germline): Uncertain significance (1 of 4 stars; one submission).

gnomAD v4.1: 7 of 1,611,970 alleles (0.00043%); highest among the groups gnomAD compares: Admixed American, 0.01%; no homozygotes.

Submission:

Labcorp Genetics (formerly Invitae), Labcorp
Classification: Uncertain significance. Last evaluated: 2025-03-24. Review status: criteria provided, single submitter. Criteria: Invitae Variant Classification Sherloc (09022015). Collection method: clinical testing. Allele origin: germline.
Comment: This sequence change replaces valine, which is neutral and non-polar, with methionine, which is neutral and non-polar, at codon 2392 of the DNAH9 protein (p.Val2392Met). This variant is present in population databases (rs771999903, gnomAD 0.009%). This variant has not been reported in the literature in individuals affected with DNAH9-related conditions. Invitae Evidence Modeling of protein sequence and biophysical properties (such as structural, functional, and spatial information, amino acid conservation, physicochemical variation, residue mobility, and thermodynamic stability) indicates that this missense variant is not expected to disrupt DNAH9 protein function with a negative predictive value of 80%. In summary, the available evidence is currently insufficient to determine the role of this variant in disease. Therefore, it has been classified as a Variant of Uncertain Significance.